The following is an entry in ClinVar:

NM_000094.4(COL7A1):c.6311C>T (p.Ser2104Phe)

Gene: COL7A1 (collagen type VII alpha 1 chain; minus strand). Cytogenetic location: 3p21.31.
Variant type: single nucleotide variant.
Coding change: c.6311C>T on transcript NM_000094.4 (MANE Select); coding-DNA position 6311, C replaced by T.
Protein change: p.Ser2104Phe; replaces serine 2104 with phenylalanine.
Molecular consequence: missense variant.
Genome position (GRCh38, 1-based): chr3:48,574,834, G>A on the plus strand (C>T on the coding strand, the complement: COL7A1 is on the minus strand). VCF-style: chr3-48574834-G-A. GRCh37 (hg19) VCF-style: chr3-48612267-G-A.
Other names: short protein forms S2104F.
Identifiers: ClinVar variation 1364372 (VCV001364372.6), dbSNP rs2107670348, ClinGen allele CA352659853.

ClinVar aggregate classification (germline): Uncertain significance (1 of 4 stars; one submission).

Submission:

Labcorp Genetics (formerly Invitae), Labcorp
Classification: Uncertain significance. Last evaluated: 2022-07-19. Review status: criteria provided, single submitter. Criteria: Invitae Variant Classification Sherloc (09022015). Collection method: clinical testing. Allele origin: germline.
Comment: This sequence change replaces serine, which is neutral and polar, with phenylalanine, which is neutral and non-polar, at codon 2104 of the COL7A1 protein (p.Ser2104Phe). In summary, the available evidence is currently insufficient to determine the role of this variant in disease. Therefore, it has been classified as a Variant of Uncertain Significance. Advanced modeling of protein sequence and biophysical properties (such as structural, functional, and spatial information, amino acid conservation, physicochemical variation, residue mobility, and thermodynamic stability) performed at Invitae indicates that this missense variant is not expected to disrupt COL7A1 protein function. ClinVar contains an entry for this variant (Variation ID: 1364372). This variant has not been reported in the literature in individuals affected with COL7A1-related conditions. This variant is not present in population databases (gnomAD no frequency).